The following is an entry in ClinVar:

ClinVar aggregate classification (germline): Conflicting classifications of pathogenicity. Review status: criteria provided, conflicting classifications (1 of 4 stars). 2 submissions from 2 submitters: Uncertain significance (1); Benign (1). Last evaluated 2025-03-14.

Allele frequency attached by ClinVar (database versions not stated): gnomAD 0.00012; 1000 Genomes Project 0.00020; 1000 Genomes Project 30x 0.00031.
gnomAD v4.1: 199 of 1,613,408 alleles (0.012%); highest among the groups gnomAD compares: South Asian, 0.16%; no homozygotes.

Submissions (2):

Ambry Genetics
Classification: Uncertain significance. Last evaluated: 2025-03-14. Review status: criteria provided, single submitter. Criteria: Ambry Variant Classification Scheme 2023. Collection method: clinical testing. Allele origin: germline.

CeGaT Center for Human Genetics Tuebingen
Classification: Benign. Last evaluated: 2022-06-01. Review status: criteria provided, single submitter. Criteria: CeGaT Center For Human Genetics Tuebingen Variant Classification Criteria Version 2. Collection method: clinical testing. Allele origin: germline. Affected: yes. Observed: 1 variant allele.
Comment: AHNAK: BS1, BS2

NM_001620.3(AHNAK):c.12497A>G (p.Lys4166Arg)

Gene: AHNAK (AHNAK nucleoprotein; minus strand). Cytogenetic location: 11q12.3.
Variant type: single nucleotide variant.
Coding change: c.12497A>G on transcript NM_001620.3 (MANE Select); coding-DNA position 12497, A replaced by G.
Protein change: p.Lys4166Arg; replaces lysine 4166 with arginine.
Molecular consequence: missense variant. On other transcripts: intron variant (1).
Genome position (GRCh38, 1-based): chr11:62,521,920, T>C on the plus strand (A>G on the coding strand, the complement: AHNAK is on the minus strand). VCF-style: chr11-62521920-T-C. GRCh37 (hg19) VCF-style: chr11-62289392-T-C.
Other names: c.12497A>G, p.Lys4166Arg (NM_001346445.2, NM_001346446.2); c.342+13083A>G (NM_024060.4); c.12497A>G (NM_001620.1); short protein forms K4166R.
Identifiers: ClinVar variation 2641864 (VCV002641864.25), dbSNP rs201733548, ClinGen allele CA6044571.